The following is an entry in ClinVar:

ClinVar aggregate classification (germline): Uncertain significance (1 of 4 stars; one submission).

Conditions:
Emery-Dreifuss muscular dystrophy 4, autosomal dominant (EDMD4). Also called: EMERY-DREIFUSS MUSCULAR DYSTROPHY 4 WITH VARIABLE FEATURES. Identifiers: Orphanet 261, MedGen C2751807, MONDO:0013071, OMIM 612998.
Autosomal recessive ataxia, Beauce type. Also called: SYNE1 Deficiency; Spinocerebellar ataxia, autosomal recessive 8; ATAXIA, RECESSIVE, OF BEAUCE; SYNE1-Related Autosomal Recessive Cerebellar Ataxia. Identifiers: Orphanet 88644, MedGen C1853116, MONDO:0012549, OMIM 610743.

Allele frequency attached by ClinVar (database versions not stated): gnomAD exomes 0.00001.
gnomAD v4.1: 3 of 1,614,212 alleles (0.00019%); highest among the groups gnomAD compares: Non-Finnish European, 0.00025%; no homozygotes.

Submission:

Labcorp Genetics (formerly Invitae), Labcorp
Classification: Uncertain significance for Emery-Dreifuss muscular dystrophy 4, autosomal dominant; Autosomal recessive ataxia, Beauce type. Last evaluated: 2023-11-27. Review status: criteria provided, single submitter. Criteria: Invitae Variant Classification Sherloc (09022015). Collection method: clinical testing. Allele origin: germline.
Comment: This sequence change replaces lysine, which is basic and polar, with arginine, which is basic and polar, at codon 4743 of the SYNE1 protein (p.Lys4743Arg). This variant is not present in population databases (gnomAD no frequency). This variant has not been reported in the literature in individuals affected with SYNE1-related conditions. ClinVar contains an entry for this variant (Variation ID: 2088914). An algorithm developed to predict the effect of missense changes on protein structure and function (PolyPhen-2) suggests that this variant is likely to be tolerated. In summary, the available evidence is currently insufficient to determine the role of this variant in disease. Therefore, it has been classified as a Variant of Uncertain Significance.

NM_182961.4(SYNE1):c.14441A>G (p.Lys4814Arg)

Gene: SYNE1 (spectrin repeat containing nuclear envelope protein 1; minus strand). Cytogenetic location: 6q25.2.
Variant type: single nucleotide variant.
Coding change: c.14441A>G on transcript NM_182961.4 (MANE Select); coding-DNA position 14441, A replaced by G.
Protein change: p.Lys4814Arg; replaces lysine 4814 with arginine.
Molecular consequence: missense variant.
Genome position (GRCh38, 1-based): chr6:152,330,244, T>C on the plus strand (A>G on the coding strand, the complement: SYNE1 is on the minus strand). VCF-style: chr6-152330244-T-C. GRCh37 (hg19) VCF-style: chr6-152651379-T-C.
Other names: c.14228A>G, p.Lys4743Arg (NM_033071.5); short protein forms K4743R, K4814R.
Identifiers: ClinVar variation 2088914 (VCV002088914.4), dbSNP rs2485124421, ClinGen allele CA366097752.